The following is an entry in ClinVar:

ClinVar aggregate classification (germline): Uncertain significance (1 of 4 stars; one submission).

Conditions:
Inborn genetic diseases. Identifiers: MedGen C0950123, MeSH D030342.

Allele frequency attached by ClinVar (database versions not stated): gnomAD exomes below 0.00001.
gnomAD v4.1: 1 of 1,612,194 alleles (0.000062%); highest among the groups gnomAD compares: Non-Finnish European, 0.000085%; no homozygotes.

Submission:

Ambry Genetics
Classification: Uncertain significance for Inborn genetic diseases. Last evaluated: 2023-03-18. Review status: criteria provided, single submitter. Criteria: Ambry Variant Classification Scheme 2023. Collection method: clinical testing. Allele origin: germline.
Comment: The p.K544R variant (also known as c.1631A>G), located in coding exon 14 of the LRRK2 gene, results from an A to G substitution at nucleotide position 1631. The lysine at codon 544 is replaced by arginine, an amino acid with highly similar properties. This amino acid position is conserved. In addition, this alteration is predicted to be tolerated by in silico analysis. Since supporting evidence is limited at this time, the clinical significance of this alteration remains unclear.

NM_198578.4(LRRK2):c.1631A>G (p.Lys544Arg)

Gene: LRRK2 (leucine rich repeat kinase 2; plus strand). Cytogenetic location: 12q12.
Variant type: single nucleotide variant.
Coding change: c.1631A>G on transcript NM_198578.4 (MANE Select); coding-DNA position 1631, A replaced by G.
Protein change: p.Lys544Arg; replaces lysine 544 with arginine.
Molecular consequence: missense variant.
Genome position (GRCh38, 1-based): chr12:40,263,876, A>G. VCF-style: chr12-40263876-A-G. GRCh37 (hg19) VCF-style: chr12-40657678-A-G.
Other names: short protein forms K544R.
Identifiers: ClinVar variation 2567321 (VCV002567321.2), dbSNP rs2499572587, ClinGen allele CA384399171.